The following is an entry in ClinVar:

ClinVar aggregate classification (germline): Conflicting classifications of pathogenicity. Review status: criteria provided, conflicting classifications (1 of 4 stars). 2 submissions from 2 submitters: Uncertain significance (1); Likely benign (1). Last evaluated 2025-07-28.

Conditions:
KBG syndrome (KBGS). Also called: ANKRD11-Related KBG Syndrome. Identifiers: Orphanet 2332, MedGen C0220687, MONDO:0007846, OMIM 148050.

Allele frequency attached by ClinVar (database versions not stated): TOPMed below 0.00001; gnomAD 0.00001; gnomAD exomes 0.00001.
gnomAD v4.1: 9 of 1,613,076 alleles (0.00056%); highest among the groups gnomAD compares: Admixed American, 0.0033%; no homozygotes.

Submissions (2):

Labcorp Genetics (formerly Invitae), Labcorp
Classification: Likely benign for KBG syndrome. Last evaluated: 2025-07-28. Review status: criteria provided, single submitter. Criteria: Invitae Variant Classification Sherloc (09022015). Collection method: clinical testing. Allele origin: germline.

GeneDx
Classification: Uncertain significance. Last evaluated: 2020-08-28. Review status: criteria provided, single submitter. Criteria: GeneDx Variant Classification Process June 2021. Collection method: clinical testing. Allele origin: germline. Affected: yes.
Comment: Has not been previously published as pathogenic or benign to our knowledge; In-silico analysis, which includes splice predictors and evolutionary conservation, is inconclusive as to whether the variant alters gene splicing. In the absence of RNA/functional studies, the actual effect of this sequence change is unknown.

NM_013275.6(ANKRD11):c.227-5C>G

Gene: ANKRD11 (ankyrin repeat domain 11; minus strand). Cytogenetic location: 16q24.3.
Variant type: single nucleotide variant.
Coding change: c.227-5C>G on transcript NM_013275.6 (MANE Select); 5 bases into the intron before coding-DNA position 227, C replaced by G.
Molecular consequence: intron variant.
Genome position (GRCh38, 1-based): chr16:89,291,188, G>C on the plus strand (C>G on the coding strand, the complement: ANKRD11 is on the minus strand). VCF-style: chr16-89291188-G-C. GRCh37 (hg19) VCF-style: chr16-89357596-G-C.
Other names: c.227-5C>G (NM_001256183.2, NM_001256182.2).
Identifiers: ClinVar variation 450294 (VCV000450294.6), dbSNP rs1303795065, ClinGen allele CA624452751.